The following is an entry in ClinVar:

NM_020297.4(ABCC9):c.3097-15T>C

Gene: ABCC9 (ATP binding cassette subfamily C member 9; minus strand). Cytogenetic location: 12p12.1.
Variant type: single nucleotide variant.
Coding change: c.3097-15T>C on transcript NM_020297.4 (MANE Select); 15 bases into the intron before coding-DNA position 3097, T replaced by C.
Molecular consequence: intron variant.
Genome position (GRCh38, 1-based): chr12:21,844,930, A>G on the plus strand (T>C on the coding strand, the complement: ABCC9 is on the minus strand). VCF-style: chr12-21844930-A-G. GRCh37 (hg19) VCF-style: chr12-21997864-A-G.
Other names: c.3097-15T>C (NM_005691.4, NM_001377273.1); c.2230-15T>C (NM_001377274.1).
Identifiers: ClinVar variation 3604379 (VCV003604379.2).

ClinVar aggregate classification (germline): Uncertain significance (1 of 4 stars; one submission).

Conditions:
Dilated cardiomyopathy 1O (CMD1O). Also called: CARDIOMYOPATHY, DILATED, WITH VENTRICULAR TACHYCARDIA. Identifiers: Orphanet 154, MedGen C1837839, MONDO:0012062, OMIM 608569.

gnomAD v4.1: 3 of 1,613,338 alleles (0.00019%); highest among the groups gnomAD compares: African/African-American, 0.0027%; no homozygotes.

Submission:

Labcorp Genetics (formerly Invitae), Labcorp
Classification: Uncertain significance for Dilated cardiomyopathy 1O. Last evaluated: 2024-07-10. Review status: criteria provided, single submitter. Criteria: Invitae Variant Classification Sherloc (09022015). Collection method: clinical testing. Allele origin: germline.
Comment: This sequence change falls in intron 24 of the ABCC9 gene. It does not directly change the encoded amino acid sequence of the ABCC9 protein. This variant is present in population databases (no rsID available, gnomAD 0.008%). This variant has not been reported in the literature in individuals affected with ABCC9-related conditions. Algorithms developed to predict the effect of sequence changes on RNA splicing suggest that this variant may disrupt the consensus splice site. In summary, the available evidence is currently insufficient to determine the role of this variant in disease. Therefore, it has been classified as a Variant of Uncertain Significance.